The following is an entry in ClinVar:

ClinVar aggregate classification (germline): Pathogenic. Review status: criteria provided, multiple submitters, no conflicts (2 of 4 stars). 2 submissions from 2 submitters: Pathogenic (2). Last evaluated 2024-05-28.

Conditions:
Alport syndrome. Also called: Hemorrhagic familial nephritis; Hemorrhagic hereditary nephritis; Congenital hereditary hematuria. Identifiers: Orphanet 63, MedGen C1567741, MONDO:0018965.

Submissions (2):

Natera, Inc.
Classification: Pathogenic for Alport syndrome. Last evaluated: 2024-05-28. Review status: criteria provided, single submitter. Criteria: Natera Variant Classification Schema (03/2026). Collection method: clinical testing. Allele origin: germline.
Comment: The c.3210+2T>C variant in COL4A3 is a canonical splice donor site variant predicted to affect pre-mRNA splicing, which may result in an abnormal transcript and altered protein product. This variant is expected to result in nonsense mediated decay, truncation, or a dysfunctional protein product. This variant is rare in the general population with a frequency below the threshold expected for the associated phenotype(s). Another variant at this same site results in an alteration predicted to cause a similar molecular effect has been observed in individual(s) with the associated phenotype. Given the available evidence, this variant is classified as Pathogenic.

Labcorp Genetics (formerly Invitae), Labcorp
Classification: Pathogenic. Last evaluated: 2023-12-17. Review status: criteria provided, single submitter. Criteria: Invitae Variant Classification Sherloc (09022015). Collection method: clinical testing. Allele origin: germline.
Comment: This sequence change affects a donor splice site in intron 37 of the COL4A3 gene. It is expected to disrupt RNA splicing. Variants that disrupt the donor or acceptor splice site typically lead to a loss of protein function (PMID: 16199547), and loss-of-function variants in COL4A3 are known to be pathogenic (PMID: 8956999, 24854265, 26809805, 27281700). This variant is not present in population databases (gnomAD no frequency). Disruption of this splice site has been observed in individuals with autosomal recessive Alport syndrome (PMID: 24052634; Invitae). ClinVar contains an entry for this variant (Variation ID: 1498304). Algorithms developed to predict the effect of sequence changes on RNA splicing suggest that this variant may disrupt the consensus splice site. For these reasons, this variant has been classified as Pathogenic.

Literature cited by the submitters: PubMed 16199547 (cited by Labcorp Genetics (formerly Invitae), Labcorp); PubMed 8956999 (cited by Labcorp Genetics (formerly Invitae), Labcorp); PubMed 24854265 (cited by Labcorp Genetics (formerly Invitae), Labcorp); PubMed 26809805 (cited by Labcorp Genetics (formerly Invitae), Labcorp); PubMed 27281700 (cited by Labcorp Genetics (formerly Invitae), Labcorp); PubMed 24052634 (cited by Labcorp Genetics (formerly Invitae), Labcorp).

NM_000091.5(COL4A3):c.3210+2T>C

Genes: COL4A3 (collagen type IV alpha 3 chain; plus strand), MFF-DT (MFF divergent transcript; minus strand). Cytogenetic location: 2q36.3.
Variant type: single nucleotide variant.
Coding change: c.3210+2T>C on transcript NM_000091.5 (MANE Select); the canonical splice donor site of the intron after coding-DNA position 3210, T replaced by C.
Molecular consequence: splice donor variant.
Genome position (GRCh38, 1-based): chr2:227,290,888, T>C. VCF-style: chr2-227290888-T-C. GRCh37 (hg19) VCF-style: chr2-228155604-T-C.
Other names: c.3210+2T>C (NM_000091.4).
Identifiers: ClinVar variation 1498304 (VCV001498304.7), dbSNP rs2106211133, ClinGen allele CA350856142.